The following is an entry in ClinVar:

NM_001393586.1(MYO7B):c.2802G>A (p.Ser934=)

Gene: MYO7B (myosin VIIB; plus strand). Cytogenetic location: 2q14.3.
Variant type: single nucleotide variant.
Coding change: c.2802G>A on transcript NM_001393586.1 (MANE Select); coding-DNA position 2802, G replaced by A.
Protein change: p.Ser934=; no amino-acid change (serine 934 retained).
Molecular consequence: synonymous variant.
Genome position (GRCh38, 1-based): chr2:127,608,866, G>A. VCF-style: chr2-127608866-G-A. GRCh37 (hg19) VCF-style: chr2-128366441-G-A.
Other names: c.2802G>A, p.Ser934= (NM_001080527.2).
Identifiers: ClinVar variation 3057457 (VCV003057457.2), dbSNP rs370097871, ClinGen allele CA1861224.

ClinVar aggregate classification (germline): Likely benign (0 of 4 stars; one submission).

Conditions:
MYO7B-related disorder. Also called: MYO7B-related condition.

Allele frequency attached by ClinVar (database versions not stated): ESP Exome Variant Server 0.00008; gnomAD 0.00008; gnomAD exomes 0.00011; ExAC 0.00019.
gnomAD v4.1: 166 of 1,612,340 alleles (0.01%); highest among the groups gnomAD compares: South Asian, 0.013%; 1 homozygote.

Submission:

PreventionGenetics, part of Exact Sciences
Classification: Likely benign for MYO7B-related condition. Last evaluated: 2019-03-01. Review status: no assertion criteria provided. Collection method: clinical testing. Allele origin: germline.
Comment: This variant is classified as likely benign based on ACMG/AMP sequence variant interpretation guidelines (Richards et al. 2015 PMID: 25741868, with internal and published modifications).